The following is an entry in ClinVar:

NM_144687.4(NLRP12):c.1578T>A (p.Tyr526Ter)

Gene: NLRP12 (NLR family pyrin domain containing 12; minus strand). Cytogenetic location: 19q13.42.
Variant type: single nucleotide variant.
Coding change: c.1578T>A on transcript NM_144687.4 (MANE Select); coding-DNA position 1578, T replaced by A.
Protein change: p.Tyr526Ter; replaces tyrosine 526 with a stop codon.
Molecular consequence: nonsense.
Genome position (GRCh38, 1-based): chr19:53,810,081, A>T on the plus strand (T>A on the coding strand, the complement: NLRP12 is on the minus strand). VCF-style: chr19-53810081-A-T. GRCh37 (hg19) VCF-style: chr19-54313335-A-T.
Other names: c.1578T>A, p.Tyr526Ter (NM_001277126.2, NM_001277129.1); short protein forms Y526*.
Identifiers: ClinVar variation 567381 (VCV000567381.8), dbSNP rs374537127, ClinGen allele CA9639400.

ClinVar aggregate classification (germline): Uncertain significance (1 of 4 stars; one submission).

Conditions:
Familial cold autoinflammatory syndrome 2 (FCAS2). Identifiers: Orphanet 247868, MedGen C2673198, MONDO:0012724, OMIM 611762.

Allele frequency attached by ClinVar (database versions not stated): gnomAD 0.00001; gnomAD exomes 0.00001; TOPMed 0.00001; ExAC 0.00002.
gnomAD v4.1: 26 of 1,614,044 alleles (0.0016%); highest among the groups gnomAD compares: Non-Finnish European, 0.0022%; no homozygotes.

Submission:

Labcorp Genetics (formerly Invitae), Labcorp
Classification: Uncertain significance for Familial cold autoinflammatory syndrome 2. Last evaluated: 2022-03-20. Review status: criteria provided, single submitter. Criteria: Invitae Variant Classification Sherloc (09022015). Collection method: clinical testing. Allele origin: germline.
Comment: In summary, the available evidence is currently insufficient to determine the role of this variant in disease. Therefore, it has been classified as a Variant of Uncertain Significance. ClinVar contains an entry for this variant (Variation ID: 567381). This variant has not been reported in the literature in individuals affected with NLRP12-related conditions. This variant is present in population databases (rs374537127, gnomAD 0.003%). This sequence change creates a premature translational stop signal (p.Tyr526*) in the NLRP12 gene. It is expected to result in an absent or disrupted protein product. However, the current clinical and genetic evidence is not sufficient to establish whether loss-of-function variants in NLRP12 cause disease.